The following is an entry in ClinVar:

ClinVar aggregate classification (germline): Uncertain significance. Review status: criteria provided, multiple submitters, no conflicts (2 of 4 stars). 2 submissions from 2 submitters: Uncertain significance (2). Last evaluated 2025-06-04.

Conditions:
Cardiovascular phenotype. Identifiers: MedGen CN230736.

Allele frequency attached by ClinVar (database versions not stated): gnomAD exomes below 0.00001.
gnomAD v4.1: 3 of 1,568,120 alleles (0.00019%); highest among the groups gnomAD compares: Non-Finnish European, 0.00026%; no homozygotes.

Submissions (2):

GeneDx
Classification: Uncertain significance. Last evaluated: 2025-06-04. Review status: criteria provided, single submitter. Criteria: GeneDx Variant Classification Process June 2021. Collection method: clinical testing. Allele origin: germline. Affected: yes.
Comment: Not observed at significant frequency in large population cohorts (gnomAD); In silico analysis supports that this missense variant has a deleterious effect on protein structure/function; Has not been previously published as pathogenic or benign to our knowledge

Ambry Genetics
Classification: Uncertain significance for Cardiovascular phenotype. Last evaluated: 2023-03-18. Review status: criteria provided, single submitter. Criteria: Ambry Variant Classification Scheme 2023. Collection method: clinical testing. Allele origin: germline.
Comment: The p.D4127G variant (also known as c.12380A>G), located in coding exon 29 of the APOB gene, results from an A to G substitution at nucleotide position 12380. The aspartic acid at codon 4127 is replaced by glycine, an amino acid with similar properties. This amino acid position is conserved. In addition, this alteration is predicted to be tolerated by in silico analysis. Since supporting evidence is limited at this time, the clinical significance of this alteration remains unclear.

NM_000384.3(APOB):c.12380A>G (p.Asp4127Gly)

Gene: APOB (apolipoprotein B; minus strand). Cytogenetic location: 2p24.1.
Variant type: single nucleotide variant.
Coding change: c.12380A>G on transcript NM_000384.3 (MANE Select); coding-DNA position 12380, A replaced by G.
Protein change: p.Asp4127Gly; replaces aspartic acid 4127 with glycine.
Molecular consequence: missense variant.
Genome position (GRCh38, 1-based): chr2:21,003,042, T>C on the plus strand (A>G on the coding strand, the complement: APOB is on the minus strand). VCF-style: chr2-21003042-T-C. GRCh37 (hg19) VCF-style: chr2-21225914-T-C.
Other names: short protein forms D4127G.
Identifiers: ClinVar variation 2562184 (VCV002562184.3), dbSNP rs1663034522, ClinGen allele CA345971374.
Genomic context (GRCh38, chr2:21,003,042, plus strand): 5'-TTGTCCTTCCACTCTTGGTAGGTCCCAGTGGTGCCACTGGCTGCTTTCTGGAACCTCACG[T>C]CGATATCATCAATTTGCCTAATGGCCCCTTGATAAACCCACTCAGCATTGTTCTGCAGAT-3'
Protein context (NP_000375.3, residues 4117-4137): QGAIRQIDDI[Asp4127Gly]VRFQKAASGT